The following is an entry in ClinVar:

ClinVar aggregate classification (germline): Uncertain significance (1 of 4 stars; one submission).

Conditions:
Cardiovascular phenotype. Identifiers: MedGen CN230736.

Submission:

Ambry Genetics
Classification: Uncertain significance for Cardiovascular phenotype. Last evaluated: 2017-12-22. Review status: criteria provided, single submitter. Criteria: Ambry Variant Classification Scheme 2023. Collection method: clinical testing. Allele origin: germline.
Comment: The p.A600G variant (also known as c.1799C>G), located in coding exon 4 of the JPH2 gene, results from a C to G substitution at nucleotide position 1799. The alanine at codon 600 is replaced by glycine, an amino acid with similar properties. This amino acid position is well conserved in available vertebrate species. In addition, this alteration is predicted to be tolerated by in silico analysis. Since supporting evidence is limited at this time, the clinical significance of this alteration remains unclear.

NM_020433.5(JPH2):c.1799C>G (p.Ala600Gly)

Gene: JPH2 (junctophilin 2; minus strand). Cytogenetic location: 20q13.12.
Variant type: single nucleotide variant.
Coding change: c.1799C>G on transcript NM_020433.5 (MANE Select); coding-DNA position 1799, C replaced by G.
Protein change: p.Ala600Gly; replaces alanine 600 with glycine.
Molecular consequence: missense variant.
Genome position (GRCh38, 1-based): chr20:44,115,876, G>C on the plus strand (C>G on the coding strand, the complement: JPH2 is on the minus strand). VCF-style: chr20-44115876-G-C. GRCh37 (hg19) VCF-style: chr20-42744516-G-C.
Other names: short protein forms A600G.
Identifiers: ClinVar variation 520387 (VCV000520387.5), dbSNP rs1555853297, ClinGen allele CA409099907.